The following is an entry in ClinVar:

NM_021625.5(TRPV4):c.1505A>T (p.Tyr502Phe)

Gene: TRPV4 (transient receptor potential cation channel subfamily V member 4; minus strand). Cytogenetic location: 12q24.11.
Variant type: single nucleotide variant.
Coding change: c.1505A>T on transcript NM_021625.5 (MANE Select); coding-DNA position 1505, A replaced by T.
Protein change: p.Tyr502Phe; replaces tyrosine 502 with phenylalanine.
Molecular consequence: missense variant.
Genome position (GRCh38, 1-based): chr12:109,794,009, T>A on the plus strand (A>T on the coding strand, the complement: TRPV4 is on the minus strand). VCF-style: chr12-109794009-T-A. GRCh37 (hg19) VCF-style: chr12-110231814-T-A.
Other names: c.1184A>T, p.Tyr395Phe (NM_001177433.2); c.1325A>T, p.Tyr442Phe (NM_147204.3); c.1364A>T, p.Tyr455Phe (NM_001177428.2); c.1403A>T, p.Tyr468Phe (NM_001177431.2); short protein forms Y395F, Y442F, Y468F, Y455F, Y502F.
Identifiers: ClinVar variation 664513 (VCV000664513.8), dbSNP rs1592830087, ClinGen allele CA386652392.
Genomic context (GRCh38, chr12:109,794,009, plus strand): 5'-ACCCCAGTGAAGAGCGTAATGACCTCGCCAGCCAGCCGCAGGTAGTCCACCGTGGTGCGG[T>A]AAGGGTACGGCGGCTGGGGAGCAGCAAGGGCACACAGGTCGTCACCCAGCCCCTCCAACA-3'
Protein context (NP_067638.3, residues 492-512): QPLEGTPPYP[Tyr502Phe]RTTVDYLRLA

ClinVar aggregate classification (germline): Uncertain significance (1 of 4 stars; one submission).

Conditions:
Charcot-Marie-Tooth disease axonal type 2C (HMSN2C). Also called: CHARCOT-MARIE-TOOTH DISEASE, AXONAL, AUTOSOMAL DOMINANT, TYPE 2C; Charcot-Marie-Tooth Neuropathy Type 2C; Charcot-Marie-Tooth Disease Type 2, TRPV4-Related (CMT2C). Identifiers: Orphanet 99937, MedGen C1853710, MONDO:0011633, OMIM 606071.

Submission:

Labcorp Genetics (formerly Invitae), Labcorp
Classification: Uncertain significance for Charcot-Marie-Tooth disease axonal type 2C. Last evaluated: 2018-12-03. Review status: criteria provided, single submitter. Criteria: Invitae Variant Classification Sherloc (09022015). Collection method: clinical testing. Allele origin: germline.
Comment: Algorithms developed to predict the effect of missense changes on protein structure and function (SIFT, PolyPhen-2, Align-GVGD) all suggest that this variant is likely to be tolerated, but these predictions have not been confirmed by published functional studies and their clinical significance is uncertain. In summary, the available evidence is currently insufficient to determine the role of this variant in disease. Therefore, it has been classified as a Variant of Uncertain Significance. This variant has not been reported in the literature in individuals with TRPV4-related conditions. This sequence change replaces tyrosine with phenylalanine at codon 502 of the TRPV4 protein (p.Tyr502Phe). The tyrosine residue is moderately conserved and there is a small physicochemical difference between tyrosine and phenylalanine. This variant is not present in population databases (ExAC no frequency).